The following is an entry in ClinVar:

NM_000138.5(FBN1):c.5800T>A (p.Cys1934Ser)

Gene: FBN1 (fibrillin 1; minus strand). Cytogenetic location: 15q21.1.
Variant type: single nucleotide variant.
Coding change: c.5800T>A on transcript NM_000138.5 (MANE Select); coding-DNA position 5800, T replaced by A.
Protein change: p.Cys1934Ser; replaces cysteine 1934 with serine.
Molecular consequence: missense variant.
Genome position (GRCh38, 1-based): chr15:48,445,493, A>T on the plus strand (T>A on the coding strand, the complement: FBN1 is on the minus strand). VCF-style: chr15-48445493-A-T. GRCh37 (hg19) VCF-style: chr15-48737690-A-T.
Other names: short protein forms C1934S.
Identifiers: ClinVar variation 549308 (VCV000549308.18), dbSNP rs1555395767, ClinGen allele CA392340230.
Genomic context (GRCh38, chr15:48,445,493, plus strand): 5'-AAGACCCCACTGTATTAATGCATTGGCCATTTCTGCAAAGATTCCCATTTCCACTTGCAC[A>T]TTCATCAACATCTGCAGAAAAATCCCCAACAATCCTTTAATATATTCCAAAGATGTCATA-3'
Protein context (NP_000129.3, residues 1924-1944): HNNDCIDVDE[Cys1934Ser]ASGNGNLCRN

ClinVar aggregate classification (germline): Pathogenic. Review status: criteria provided, single submitter (1 of 4 stars). 2 submissions from 2 submitters: Pathogenic (1). 1 of the submissions does not count toward it. Last evaluated 2021-03-01.

Conditions:
Marfan syndrome (MFS). Also called: Marfan syndrome type 1; Marfan syndrome, classic; Marfan's syndrome; FBN1-Related Marfan Syndrome; MARFAN SYNDROME, TYPE I. Identifiers: Orphanet 284963, Orphanet 558, MedGen C0024796, MONDO:0007947, OMIM 154700.

Submissions (2):

Centre of Medical Genetics, University of Antwerp
Classification: Pathogenic for Marfan syndrome. Last evaluated: 2021-03-01. Review status: criteria provided, single submitter. Criteria: Submitter's publication. Collection method: research. Allele origin: unknown. Affected: yes. Observed: 2 variant alleles.
Comment: PM2, PVS2, PP1, PP4

Center for Medical Genetics Ghent, University of Ghent
Classification: Likely pathogenic for Marfan syndrome. Last evaluated: 2017-11-07. Review status: no assertion criteria provided. Collection method: clinical testing. Allele origin: germline. Affected: yes. Not counted in ClinVar's aggregate classification.